The following is an entry in ClinVar:

NM_000136.3(FANCC):c.916_917del (p.Asp306fs)

Genes: AOPEP (aminopeptidase O (putative); plus strand), FANCC (FA complementation group C; minus strand). Cytogenetic location: 9q22.32.
Variant type: Deletion.
Coding change: c.916_917del on transcript NM_000136.3 (MANE Select); coding-DNA positions 916 to 917, 2 bases deleted (GA; older notation c.916_917delGA).
Protein change: p.Asp306fs; shifts the reading frame from aspartic acid 306.
Molecular consequence: frameshift variant.
Genome position (GRCh38, 1-based): chr9:95,125,165-95,125,166, TC deleted on the plus strand (GA on the coding strand, the reverse complement: FANCC is on the minus strand). VCF-style (leftmost placement, unchanged base first): chr9-95125164-ATC-A. GRCh37 (hg19) VCF-style: chr9-97887446-ATC-A.
Other names: c.916_917del, p.Asp306fs (NM_001243743.2, NM_001243744.2); short protein forms D306fs.
Identifiers: ClinVar variation 1453776 (VCV001453776.6), dbSNP rs779806106, ClinGen allele CA5137579.

ClinVar aggregate classification (germline): Pathogenic (1 of 4 stars; one submission).

Conditions:
Fanconi anemia (FA). Also called: Fanconi's anemia. Identifiers: Orphanet 84, MedGen C0015625, MeSH D005199, MONDO:0019391.

Allele frequency attached by ClinVar (database versions not stated): gnomAD exomes below 0.00001; ExAC 0.00001; gnomAD 0.00001; TOPMed 0.00001.

Submission:

Labcorp Genetics (formerly Invitae), Labcorp
Classification: Pathogenic for Fanconi anemia. Last evaluated: 2021-09-01. Review status: criteria provided, single submitter. Criteria: Invitae Variant Classification Sherloc (09022015). Collection method: clinical testing. Allele origin: germline.
Comment: This sequence change creates a premature translational stop signal (p.Asp306Trpfs*67) in the FANCC gene. It is expected to result in an absent or disrupted protein product. Loss-of-function variants in FANCC are known to be pathogenic (PMID: 17924555). This variant is present in population databases (rs779806106, ExAC 0.009%). This variant has not been reported in the literature in individuals affected with FANCC-related conditions. For these reasons, this variant has been classified as Pathogenic.

Literature cited by the submitters: PubMed 17924555.